The following is an entry in ClinVar:

NC_000021.8:g.(?_44473970)_(44492323_?)dup

Gene: CBS (cystathionine beta-synthase; minus strand). Cytogenetic location: 21q22.3.
Variant type: Duplication.
Identifiers: ClinVar variation 583542 (VCV000583542.4).

ClinVar aggregate classification (germline): Uncertain significance. Review status: criteria provided, single submitter (1 of 4 stars). 2 submissions from 1 submitter: Uncertain significance (2). Last evaluated 2019-04-15.

Conditions:
Classic homocystinuria. Also called: Homocystinuria due to Cystathionine Beta-Synthase Deficiency; Homocystinuria due to CBS deficiency; Cystathionine beta-synthase deficiency; CBS deficiency; HOMOCYSTINURIA WITH OR WITHOUT RESPONSE TO PYRIDOXINE. Identifiers: Orphanet 394, MedGen C0751202, MONDO:0009352, OMIM 236200.
HYPERHOMOCYSTEINEMIA, THROMBOTIC, CBS-RELATED. Identifiers: MedGen C3150344, OMIM 236200.

Submissions (2):

Labcorp Genetics (formerly Invitae), Labcorp
Classification: Uncertain significance for HYPERHOMOCYSTEINEMIA, THROMBOTIC, CBS-RELATED. Last evaluated: 2019-04-15. Review status: criteria provided, single submitter. Criteria: Invitae Variant Classification Sherloc (09022015). Collection method: clinical testing. Allele origin: germline.
Comment: A gross duplication of the genomic region encompassing the full coding sequence of the CBS gene has been identified. The boundaries of this event are unknown as the duplication extends beyond the assayed region for this gene and therefore may encompass additional genes. As the precise location of this duplication is unknown, it may be in tandem or it may be located elsewhere in the genome. This variant has not been reported in the literature in individuals with CBS-related disease. In summary, the available evidence is currently insufficient to determine the role of this variant in disease. Therefore, it has been classified as a Variant of Uncertain Significance.

Labcorp Genetics (formerly Invitae), Labcorp
Classification: Uncertain significance for HYPERHOMOCYSTEINEMIA, THROMBOTIC, CBS-RELATED. Last evaluated: 2019-04-09. Review status: criteria provided, single submitter. Criteria: Invitae Variant Classification Sherloc (09022015). Collection method: clinical testing. Allele origin: germline.
Comment: the same text as in the submission from Labcorp Genetics (formerly Invitae), Labcorp above.